The following is an entry in ClinVar:

NM_003036.4(SKI):c.262G>C (p.Gly88Arg)

Gene: SKI (SKI proto-oncogene; plus strand). Cytogenetic location: 1p36.33.
Variant type: single nucleotide variant.
Coding change: c.262G>C on transcript NM_003036.4 (MANE Select); coding-DNA position 262, G replaced by C.
Protein change: p.Gly88Arg; replaces glycine 88 with arginine.
Molecular consequence: missense variant.
Genome position (GRCh38, 1-based): chr1:2,229,028, G>C. VCF-style: chr1-2229028-G-C. GRCh37 (hg19) VCF-style: chr1-2160467-G-C.
Other names: short protein forms G88R.
Identifiers: ClinVar variation 3318704 (VCV003318704.1).

ClinVar aggregate classification (germline): Uncertain significance (1 of 4 stars; one submission).

Conditions:
Familial thoracic aortic aneurysm and aortic dissection (TAAD). Also called: Thoracic aortic aneurysms and dissections. Identifiers: Orphanet 91387, MedGen C4707243, MONDO:0019625.

Submission:

Ambry Genetics
Classification: Uncertain significance for Familial thoracic aortic aneurysm and aortic dissection. Last evaluated: 2024-03-30. Review status: criteria provided, single submitter. Criteria: Ambry Variant Classification Scheme 2023. Collection method: clinical testing. Allele origin: germline.
Comment: The p.G88R variant (also known as c.262G>C), located in coding exon 1 of the SKI gene, results from a G to C substitution at nucleotide position 262. The glycine at codon 88 is replaced by arginine, an amino acid with dissimilar properties. This amino acid position is conserved. In addition, the in silico prediction for this alteration is inconclusive. Based on the available evidence, the clinical significance of this alteration remains unclear.